The following is an entry in ClinVar:

NM_001040108.2(MLH3):c.3288G>C (p.Gln1096His)

Gene: MLH3 (mutL homolog 3; minus strand). Cytogenetic location: 14q24.3.
Variant type: single nucleotide variant.
Coding change: c.3288G>C on transcript NM_001040108.2 (MANE Select); coding-DNA position 3288, G replaced by C.
Protein change: p.Gln1096His; replaces glutamine 1096 with histidine.
Molecular consequence: missense variant.
Genome position (GRCh38, 1-based): chr14:75,042,470, C>G on the plus strand (G>C on the coding strand, the complement: MLH3 is on the minus strand). VCF-style: chr14-75042470-C-G. GRCh37 (hg19) VCF-style: chr14-75509173-C-G.
Other names: c.3288G>C, p.Gln1096His (NM_014381.3); short protein forms Q1096H.
Identifiers: ClinVar variation 1054979 (VCV001054979.12), dbSNP rs749573128, ClinGen allele CA7275544.
Genomic context (GRCh38, chr14:75,042,470, plus strand): 5'-TGCTCGAGCTCTCGGAAGGAAAGGAAGAACAAGGTCGCTTCTAAAAGGTTGACACCTGTA[C>G]TGAGACCCTAAATATAAGAAAGAAAAACCTAGAAATGTGAACTTAAAATACAAGTAAACT-3'
Protein context (NP_001035197.1, residues 1086-1106): AVDVVLENGS[Gln1096His]YRCQPFRSDL

ClinVar aggregate classification (germline): Uncertain significance. Review status: criteria provided, multiple submitters, no conflicts (2 of 4 stars). 2 submissions from 2 submitters: Uncertain significance (2). Last evaluated 2024-12-20.

Conditions:
Colorectal cancer, hereditary nonpolyposis, type 7. Identifiers: Orphanet 144, MedGen C1858380, MONDO:0013725, OMIM 614385.

Allele frequency attached by ClinVar (database versions not stated): gnomAD exomes below 0.00001; TOPMed below 0.00001; ExAC 0.00001; gnomAD 0.00001.

Submissions (2):

Ambry Genetics
Classification: Uncertain significance. Last evaluated: 2024-12-20. Review status: criteria provided, single submitter. Criteria: Ambry Variant Classification Scheme 2023. Collection method: clinical testing. Allele origin: germline.

Labcorp Genetics (formerly Invitae), Labcorp
Classification: Uncertain significance for Colorectal cancer, hereditary nonpolyposis, type 7. Last evaluated: 2020-10-06. Review status: criteria provided, single submitter. Criteria: Invitae Variant Classification Sherloc (09022015). Collection method: clinical testing. Allele origin: germline.
Comment: This sequence change replaces glutamine with histidine at codon 1096 of the MLH3 protein (p.Gln1096His). The glutamine residue is weakly conserved and there is a small physicochemical difference between glutamine and histidine. This variant is present in population databases (rs749573128, ExAC 0.001%). This variant has not been reported in the literature in individuals with MLH3-related conditions. Algorithms developed to predict the effect of missense changes on protein structure and function are either unavailable or do not agree on the potential impact of this missense change (SIFT: "Deleterious"; PolyPhen-2: "Probably Damaging"; Align-GVGD: "Class C0"). In summary, the available evidence is currently insufficient to determine the role of this variant in disease. Therefore, it has been classified as a Variant of Uncertain Significance.